The following is an entry in ClinVar:

NM_138959.3(VANGL1):c.*47G>T

Gene: VANGL1 (VANGL planar cell polarity protein 1; plus strand). Cytogenetic location: 1p13.1.
Variant type: single nucleotide variant.
Coding change: c.*47G>T on transcript NM_138959.3 (MANE Select); 47 bases downstream of the stop codon, G replaced by T.
Molecular consequence: 3 prime UTR variant.
Genome position (GRCh38, 1-based): chr1:115,691,426, G>T. VCF-style: chr1-115691426-G-T. GRCh37 (hg19) VCF-style: chr1-116234047-G-T.
Other names: c.*47G>T (NM_001172411.2, NM_001172412.2).
Identifiers: ClinVar variation 292014 (VCV000292014.5), dbSNP rs190792695, ClinGen allele CA1023578.
Genomic context (GRCh38, chr1:115,691,426, plus strand): 5'-AGACATCCGTTTAAAAGTTCTATATTTGTGGCTTTATTAAAAAAAAAAGAAAAATATATA[G>T]AGAGATATATATCTATGCCAGAGGGGTGTCTTTTTTAAAAATTCTTCTTCATTGCTGACT-3'

ClinVar aggregate classification (germline): Benign/Likely benign. Review status: criteria provided, single submitter (1 of 4 stars). 2 submissions from 1 submitter: Benign (1); Likely benign (1). Last evaluated 2018-01-13.

Conditions:
Sacral defect with anterior meningocele. Identifiers: MedGen C1838568, OMIM 600145.
Neural tube defect (NTD). Also called: Neural tube defects. Identifiers: Orphanet 3388, Orphanet 823, MedGen C0027794, MONDO:0018075, HP:0045005.

Allele frequency attached by ClinVar (database versions not stated): gnomAD 0.00039 and 0.00051; ExAC 0.00067; TOPMed 0.00070; gnomAD exomes 0.00083; 1000 Genomes Project 30x 0.00265; 1000 Genomes Project 0.00300.
gnomAD v4.1: 464 of 1,558,202 alleles (0.03%); highest among the groups gnomAD compares: East Asian, 0.93%; 6 homozygotes.

Submissions (2):

Illumina Laboratory Services, Illumina
Classification: Benign for Sacral defect with anterior meningocele. Last evaluated: 2018-01-13. Review status: criteria provided, single submitter. Criteria: ICSL Variant Classification Criteria 13 December 2019. Collection method: clinical testing. Allele origin: germline.
Comment: This variant was observed in the ICSL laboratory as part of a predisposition screen in an ostensibly healthy population. It had not been previously curated by ICSL or reported in the Human Gene Mutation Database (HGMD: prior to June 1st, 2018), and was therefore a candidate for classification through an automated scoring system. Utilizing variant allele frequency, disease prevalence and penetrance estimates, and inheritance mode, an automated score was calculated to assess if this variant is too frequent to cause the disease. Based on the score and internal cut-off values, a variant classified as benign is not then subjected to further curation. The score for this variant resulted in a classification of benign for this disease.

Illumina Laboratory Services, Illumina
Classification: Likely benign for Neural tube defects, susceptibility to. Last evaluated: 2018-01-13. Review status: criteria provided, single submitter. Criteria: ICSL Variant Classification Criteria 13 December 2019. Collection method: clinical testing. Allele origin: germline.
Comment: This variant was observed in the ICSL laboratory as part of a predisposition screen in an ostensibly healthy population. It had not been previously curated by ICSL or reported in the Human Gene Mutation Database (HGMD: prior to June 1st, 2018), and was therefore a candidate for classification through an automated scoring system. Utilizing variant allele frequency, disease prevalence and penetrance estimates, and inheritance mode, an automated score was calculated to assess if this variant is too frequent to cause the disease. Based on the score and internal cut-off values, a variant classified as likely benign is not then subjected to further curation. The score for this variant resulted in a classification of likely benign for this disease.